The following is an entry in ClinVar:

NM_133642.5(LARGE1):c.1390G>T (p.Glu464Ter)

Gene: LARGE1 (LARGE xylosyl- and glucuronyltransferase 1; minus strand). Cytogenetic location: 22q12.3.
Variant type: single nucleotide variant.
Coding change: c.1390G>T on transcript NM_133642.5 (MANE Select); coding-DNA position 1390, G replaced by T.
Protein change: p.Glu464Ter; replaces glutamic acid 464 with a stop codon.
Molecular consequence: nonsense.
Genome position (GRCh38, 1-based): chr22:33,316,146, C>A on the plus strand (G>T on the coding strand, the complement: LARGE1 is on the minus strand). VCF-style: chr22-33316146-C-A. GRCh37 (hg19) VCF-style: chr22-33712132-C-A.
Other names: c.1390G>T, p.Glu464Ter (NM_001362949.2, NM_001362951.2, NM_001362953.2 and 6 more transcripts); c.1234G>T, p.Glu412Ter (NM_001378629.1); c.787G>T, p.Glu263Ter (NM_001378630.1); c.631G>T, p.Glu211Ter (NM_001378631.1); short protein forms E211*, E263*, E412*, E464*.
Identifiers: ClinVar variation 2702127 (VCV002702127.3), dbSNP rs772985451, ClinGen allele CA411540917.

ClinVar aggregate classification (germline): Pathogenic (1 of 4 stars; one submission).

Conditions:
Muscular dystrophy-dystroglycanopathy type B6 (MDDGB6). Also called: MUSCULAR DYSTROPHY-DYSTROGLYCANOPATHY (CONGENITAL WITH IMPAIRED INTELLECTUAL DEVELOPMENT), TYPE B, 6; MUSCULAR DYSTROPHY, CONGENITAL, LARGE-RELATED; MUSCULAR DYSTROPHY, CONGENITAL, TYPE 1D. Identifiers: MedGen C1837229, MONDO:0012138, OMIM 608840.

gnomAD v4.1: 1 of 1,614,124 alleles (0.000062%); highest among the groups gnomAD compares: Non-Finnish European, 0.000085%; no homozygotes.

Submission:

Labcorp Genetics (formerly Invitae), Labcorp
Classification: Pathogenic for Muscular dystrophy-dystroglycanopathy type B6. Last evaluated: 2024-01-15. Review status: criteria provided, single submitter. Criteria: Invitae Variant Classification Sherloc (09022015). Collection method: clinical testing. Allele origin: germline.
Comment: This sequence change creates a premature translational stop signal (p.Glu464*) in the LARGE1 gene. It is expected to result in an absent or disrupted protein product. Loss-of-function variants in LARGE1 are known to be pathogenic (PMID: 12966029, 17878207). This variant is not present in population databases (gnomAD no frequency). This variant has not been reported in the literature in individuals affected with LARGE1-related conditions. For these reasons, this variant has been classified as Pathogenic.

Literature cited by the submitters: PubMed 12966029; PubMed 17878207.